The following is an entry in ClinVar:

ClinVar aggregate classification (germline): Uncertain significance (1 of 4 stars; one submission).

Conditions:
46,XY sex reversal 9 (SRXY9). Also called: 46,XY SEX REVERSAL, ZFPM2-RELATED. Identifiers: Orphanet 251510, MedGen C4015129, MONDO:0014480, OMIM 616067.

gnomAD v4.1: 8 of 1,613,360 alleles (0.0005%); highest among the groups gnomAD compares: Non-Finnish European, 0.00059%; no homozygotes.

Submission:

Labcorp Genetics (formerly Invitae), Labcorp
Classification: Uncertain significance for 46,XY sex reversal 9. Last evaluated: 2025-09-10. Review status: criteria provided, single submitter. Criteria: Invitae Variant Classification Sherloc (09022015). Collection method: clinical testing. Allele origin: germline.
Comment: This sequence change replaces leucine, which is neutral and non-polar, with phenylalanine, which is neutral and non-polar, at codon 1131 of the ZFPM2 protein (p.Leu1131Phe). This variant is not present in population databases (gnomAD no frequency). This variant has not been reported in the literature in individuals affected with ZFPM2-related conditions. An algorithm developed to predict the effect of missense changes on protein structure and function (PolyPhen-2) suggests that this variant is likely to be disruptive. In summary, the available evidence is currently insufficient to determine the role of this variant in disease. Therefore, it has been classified as a Variant of Uncertain Significance.

NM_012082.4(ZFPM2):c.3391C>T (p.Leu1131Phe)

Genes: ZFPM2 (zinc finger protein, FOG family member 2; plus strand), ZFPM2-AS1 (ZFPM2 antisense RNA 1; minus strand). Cytogenetic location: 8q23.1.
Variant type: single nucleotide variant.
Coding change: c.3391C>T on transcript NM_012082.4 (MANE Select); coding-DNA position 3391, C replaced by T.
Protein change: p.Leu1131Phe; replaces leucine 1131 with phenylalanine.
Molecular consequence: missense variant.
Genome position (GRCh38, 1-based): chr8:105,803,473, C>T. VCF-style: chr8-105803473-C-T. GRCh37 (hg19) VCF-style: chr8-106815701-C-T.
Other names: c.3232C>T, p.Leu1078Phe (NM_001362836.2); c.2995C>T, p.Leu999Phe (NM_001362837.2); short protein forms L1078F, L1131F, L999F.
Identifiers: ClinVar variation 4805215 (VCV004805215.1).